The following is an entry in ClinVar:

ClinVar aggregate classification (germline): Conflicting classifications of pathogenicity. Review status: criteria provided, conflicting classifications (1 of 4 stars). 3 submissions from 3 submitters: Uncertain significance (2); Likely benign (1). Last evaluated 2025-11-03.

Conditions:
MEGF10-related myopathy (CMYO10A). Also called: Congenital myopathy 10A, severe variant. Identifiers: Orphanet 439212, MedGen C3280679, MONDO:0013731, OMIM 614399.

Allele frequency attached by ClinVar (database versions not stated): 1000 Genomes Project 30x 0.00016; TOPMed 0.00017; 1000 Genomes Project 0.00020; ESP Exome Variant Server 0.00023; ExAC 0.00034; gnomAD 0.00034 and 0.00037; gnomAD exomes 0.00035 and 0.00045.
gnomAD v4.1: 550 of 1,612,792 alleles (0.034%); highest among the groups gnomAD compares: Non-Finnish European, 0.027%; no homozygotes.

Submissions (3):

Labcorp Genetics (formerly Invitae), Labcorp
Classification: Likely benign for MEGF10-related myopathy. Last evaluated: 2025-11-03. Review status: criteria provided, single submitter. Criteria: Invitae Variant Classification Sherloc (09022015). Collection method: clinical testing. Allele origin: germline.

Revvity Omics, Revvity
Classification: Uncertain significance. Last evaluated: 2024-10-09. Review status: criteria provided, single submitter. Criteria: ACMG Guidelines, 2015. Collection method: clinical testing. Allele origin: germline.

GeneDx
Classification: Uncertain significance. Last evaluated: 2024-07-09. Review status: criteria provided, single submitter. Criteria: GeneDx Variant Classification Process June 2021. Collection method: clinical testing. Allele origin: germline. Affected: yes.
Comment: In silico analysis supports that this missense variant has a deleterious effect on protein structure/function; Has not been previously published as pathogenic or benign to our knowledge

NM_001256545.2(MEGF10):c.652G>A (p.Gly218Arg)

Gene: MEGF10 (multiple EGF like domains 10; plus strand). Cytogenetic location: 5q23.2.
Variant type: single nucleotide variant.
Coding change: c.652G>A on transcript NM_001256545.2 (MANE Select); coding-DNA position 652, G replaced by A.
Protein change: p.Gly218Arg; replaces glycine 218 with arginine.
Molecular consequence: missense variant.
Genome position (GRCh38, 1-based): chr5:127,396,771, G>A. VCF-style: chr5-127396771-G-A. GRCh37 (hg19) VCF-style: chr5-126732463-G-A.
Other names: c.652G>A, p.Gly218Arg (NM_001308119.2, NM_001308121.2, NM_032446.3); short protein forms G218R.
Identifiers: ClinVar variation 472745 (VCV000472745.14), dbSNP rs148663427, ClinGen allele CA3391354.